The following is an entry in ClinVar:

NM_152564.5(VPS13B):c.2825-4T>A

Gene: VPS13B (vacuolar protein sorting 13 homolog B; plus strand). Cytogenetic location: 8q22.2.
Variant type: single nucleotide variant.
Coding change: c.2825-4T>A on transcript NM_152564.5 (MANE Select); 4 bases into the intron before coding-DNA position 2825, T replaced by A.
Molecular consequence: intron variant.
Genome position (GRCh38, 1-based): chr8:99,384,204, T>A. VCF-style: chr8-99384204-T-A. GRCh37 (hg19) VCF-style: chr8-100396432-T-A.
Other names: c.2825-4T>A (NM_152564.4, NM_017890.5).
Identifiers: ClinVar variation 285019 (VCV000285019.18), dbSNP rs201354177, ClinGen allele CA4823062.
Genomic context (GRCh38, chr8:99,384,204, plus strand): 5'-GTGACAAATAGCTTATTGTTTTTTATGAGGACTTATGTAACAGTTTAAAAATCTTGTCTT[T>A]TAGGTGCTGTACTTCTTTGCAGTATACAAGGACTAGCAGTTAATATTGACCCAATCTTAT-3'

ClinVar aggregate classification (germline): Conflicting classifications of pathogenicity. Review status: criteria provided, conflicting classifications (1 of 4 stars). 5 submissions from 5 submitters: Uncertain significance (1); Benign (1); Likely benign (1). 2 of the submissions do not count toward it. Last evaluated 2026-01-27.

Conditions:
Cohen syndrome (COH1). Also called: Cutis verticis gyrata, retinitis pigmentosa, and sensorineural deafness; PEPPER SYNDROME. Identifiers: Orphanet 193, MedGen C0265223, MONDO:0008999, OMIM 216550.
VPS13B-related disorder. Also called: VPS13B-related condition.

Allele frequency attached by ClinVar (database versions not stated): gnomAD 0.00004 and 0.00008; gnomAD exomes 0.00004 and 0.00017; TOPMed 0.00006; ExAC 0.00015; 1000 Genomes Project 30x 0.00047; 1000 Genomes Project 0.00060.
gnomAD v4.1: 68 of 1,612,762 alleles (0.0042%); highest among the groups gnomAD compares: East Asian, 0.14%; no homozygotes.

Submissions (5):

Labcorp Genetics (formerly Invitae), Labcorp
Classification: Benign for Cohen syndrome. Last evaluated: 2026-01-27. Review status: criteria provided, single submitter. Criteria: Invitae Variant Classification Sherloc (09022015). Collection method: clinical testing. Allele origin: germline.

Blueprint Genetics
Classification: Likely benign. Last evaluated: 2023-07-13. Review status: criteria provided, single submitter. Criteria: ACMG Guidelines, 2015. Collection method: clinical testing. Allele origin: germline.

Eurofins Ntd Llc (ga)
Classification: Uncertain significance. Last evaluated: 2015-12-04. Review status: criteria provided, single submitter. Criteria: EGL Classification Definitions 2015. Collection method: clinical testing. Allele origin: germline. Observed: 1 variant allele, 1 heterozygote.

PreventionGenetics, part of Exact Sciences
Classification: Likely benign for VPS13B-related condition. Last evaluated: 2020-07-29. Review status: no assertion criteria provided. Collection method: clinical testing. Allele origin: germline. Not counted in ClinVar's aggregate classification.
Comment: This variant is classified as likely benign based on ACMG/AMP sequence variant interpretation guidelines (Richards et al. 2015 PMID: 25741868, with internal and published modifications).

Natera, Inc.
Classification: Likely benign for Cohen syndrome. Last evaluated: 2020-01-08. Review status: no assertion criteria provided. Collection method: clinical testing. Allele origin: germline. Not counted in ClinVar's aggregate classification.